The following is an entry in ClinVar:

ClinVar aggregate classification (germline): Uncertain significance. Review status: criteria provided, multiple submitters, no conflicts (2 of 4 stars). 6 submissions from 6 submitters: Uncertain significance (4). 2 of the submissions do not count toward it. Last evaluated 2026-03-17.

Conditions:
PALB2-related disorder. Also called: PALB2-related condition; PALB2-related disorders.
Inherited breast cancer and ovarian cancer.
Hereditary cancer-predisposing syndrome. Also called: Neoplastic Syndromes, Hereditary; Hereditary neoplastic syndrome; Tumor predisposition; Hereditary Cancer Syndrome. Identifiers: Orphanet 140162, MedGen C0027672, MeSH D009386, MONDO:0015356.
Familial cancer of breast. Also called: Hereditary breast cancer; hereditary breast carcinoma; BREAST CANCER, FAMILIAL. Identifiers: Orphanet 227535, MedGen C0346153, MONDO:0016419, OMIM 114480. Disease mechanism: loss of function.
Pancreatic cancer, susceptibility to, 3. Identifiers: Orphanet 1333, MedGen C3150547, MONDO:0013236, OMIM 613348.

Allele frequency attached by ClinVar (database versions not stated): gnomAD exomes 0.00002.
gnomAD v4.1: 14 of 1,614,224 alleles (0.00087%); highest among the groups gnomAD compares: Non-Finnish European, 0.0012%; no homozygotes.

Submissions (6):

Genomics and Molecular Medicine Service, East Genomic Laboratory Hub, NHS Genomic Medicine Service
Classification: Uncertain significance for Inherited breast cancer and ovarian cancer. Last evaluated: 2026-03-17. Review status: criteria provided, single submitter. Criteria: ACGS Best Practice Guidelines for Variant Classification in Rare Disease 2020. Collection method: clinical testing. Allele origin: germline. Affected: yes.
Comment: BP1

Color Diagnostics, LLC DBA Color Health
Classification: Uncertain significance for Hereditary cancer-predisposing syndrome. Last evaluated: 2025-07-11. Review status: criteria provided, single submitter. Criteria: ACMG Guidelines, 2015. Collection method: clinical testing. Allele origin: germline.
Comment: This missense variant replaces isoleucine with serine at codon 887 of the PALB2 protein. Computational predictions are inconclusive regarding the impact of this variant on RNA splicing, protein structure and function (PMID: 27666373, 30661751, 37733863). To our knowledge, functional studies have not been reported for this variant. This variant has been reported in one individual each affected with pancreatic cancer and breast cancer, and this variant also has been detected in a breast cancer case-control meta-analysis in 1/60466 cases and 0/53461 unaffected individuals (PMID: 25356972, 28779002, 33471991Leiden Open Variation Database DB-ID PALB2_010326). This variant has not been identified in the general population by the Genome Aggregation Database (gnomAD). The available evidence is insufficient to determine the role of this variant in disease conclusively. Therefore, this variant is classified as a Variant of Uncertain Significance.

Ambry Genetics
Classification: Uncertain significance for Hereditary cancer-predisposing syndrome. Last evaluated: 2025-01-20. Review status: criteria provided, single submitter. Criteria: Ambry Variant Classification Scheme 2023. Collection method: clinical testing. Allele origin: germline.
Comment: The p.I887S variant (also known as c.2660T>G), located in coding exon 7 of the PALB2 gene, results from a T to G substitution at nucleotide position 2660. The isoleucine at codon 887 is replaced by serine, an amino acid with dissimilar properties. This alteration has been reported as a novel variant of uncertain significance from a cohort of 727 individuals with pancreatic cancer and a positive family history (Zhen DB et al. Genet. Med., 2015 Jul;17:569-77). This amino acid position is well conserved in available vertebrate species. In addition, the in silico prediction for this alteration is inconclusive. Based on the available evidence, the clinical significance of this variant remains unclear.

Labcorp Genetics (formerly Invitae), Labcorp
Classification: Uncertain significance for Familial cancer of breast. Last evaluated: 2024-10-15. Review status: criteria provided, single submitter. Criteria: Invitae Variant Classification Sherloc (09022015). Collection method: clinical testing. Allele origin: germline.
Comment: This sequence change replaces isoleucine, which is neutral and non-polar, with serine, which is neutral and polar, at codon 887 of the PALB2 protein (p.Ile887Ser). This variant is not present in population databases (gnomAD no frequency). This missense change has been observed in individual(s) with pancreatic cancer and breast cancer (PMID: 25356972, 30638972). ClinVar contains an entry for this variant (Variation ID: 484201). Invitae Evidence Modeling of protein sequence and biophysical properties (such as structural, functional, and spatial information, amino acid conservation, physicochemical variation, residue mobility, and thermodynamic stability) indicates that this missense variant is expected to disrupt PALB2 protein function with a positive predictive value of 80%. In summary, the available evidence is currently insufficient to determine the role of this variant in disease. Therefore, it has been classified as a Variant of Uncertain Significance.

PreventionGenetics, part of Exact Sciences
Classification: Uncertain significance for PALB2-related condition. Last evaluated: 2024-08-22. Review status: no assertion criteria provided. Collection method: clinical testing. Allele origin: germline. Not counted in ClinVar's aggregate classification.
Comment: The PALB2 c.2660T>G variant is predicted to result in the amino acid substitution p.Ile887Ser. This missense change has been observed in an individual with pancreatic cancer (Zhen et al 2014. PubMed ID: 25356972) and in an individual with breast cancer (Ducy M et al 2019. PubMed ID: 30638972). To our knowledge, this variant has not been reported in a large population database, indicating this variant is rare. This variant has an interpretation of uncertain significance in ClinVar. At this time, the clinical significance of this variant is uncertain due to the absence of conclusive functional and genetic evidence.

Leiden Open Variation Database
Classification: Uncertain significance for Pancreatic cancer, susceptibility to, 3. Last evaluated: 2019-05-13. Review status: no assertion criteria provided. Collection method: curation. Allele origin: germline. Affected: yes. Not counted in ClinVar's aggregate classification.
Comment: Curators: Marc Tischkowitz, Arleen D. Auerbach. Submitter to LOVD: Marc Tischkowitz.

Literature cited by the submitters: PubMed 25356972 (cited by 4 submitters); PubMed 27666373 (cited by Color Diagnostics, LLC DBA Color Health); PubMed 28779002 (cited by Color Diagnostics, LLC DBA Color Health); PubMed 30661751 (cited by Color Diagnostics, LLC DBA Color Health); PubMed 33471991 (cited by Color Diagnostics, LLC DBA Color Health); PubMed 37733863 (cited by Color Diagnostics, LLC DBA Color Health); PubMed 30638972 (cited by Labcorp Genetics (formerly Invitae), Labcorp).

NM_024675.4(PALB2):c.2660T>G (p.Ile887Ser)

Gene: PALB2 (partner and localizer of BRCA2; minus strand). Cytogenetic location: 16p12.2.
Variant type: single nucleotide variant.
Coding change: c.2660T>G on transcript NM_024675.4 (MANE Select); coding-DNA position 2660, T replaced by G.
Protein change: p.Ile887Ser; replaces isoleucine 887 with serine.
Molecular consequence: missense variant.
Genome position (GRCh38, 1-based): chr16:23,626,324, A>C on the plus strand (T>G on the coding strand, the complement: PALB2 is on the minus strand). VCF-style: chr16-23626324-A-C. GRCh37 (hg19) VCF-style: chr16-23637645-A-C.
Other names: short protein forms I887S.
Identifiers: ClinVar variation 484201 (VCV000484201.17), dbSNP rs45550935, ClinGen allele CA279489084.